The following is an entry in ClinVar:

NM_004655.4(AXIN2):c.1495C>T (p.Leu499Phe)

Gene: AXIN2 (axin 2; minus strand). Cytogenetic location: 17q24.1.
Variant type: single nucleotide variant.
Coding change: c.1495C>T on transcript NM_004655.4 (MANE Select); coding-DNA position 1495, C replaced by T.
Protein change: p.Leu499Phe; replaces leucine 499 with phenylalanine.
Molecular consequence: missense variant.
Genome position (GRCh38, 1-based): chr17:65,537,541, G>A on the plus strand (C>T on the coding strand, the complement: AXIN2 is on the minus strand). VCF-style: chr17-65537541-G-A. GRCh37 (hg19) VCF-style: chr17-63533659-G-A.
Other names: c.1495C>T (LRG_296t1); c.1495C>T, p.Leu499Phe (NM_001363813.1); short protein forms L499F.
Identifiers: ClinVar variation 647060 (VCV000647060.11), dbSNP rs1168199442, ClinGen allele CA400677393.

ClinVar aggregate classification (germline): Uncertain significance. Review status: criteria provided, multiple submitters, no conflicts (2 of 4 stars). 2 submissions from 2 submitters: Uncertain significance (2). Last evaluated 2025-01-06.

Conditions:
Hereditary cancer-predisposing syndrome. Also called: Hereditary Cancer Syndrome; Tumor predisposition; Hereditary neoplastic syndrome; Neoplastic Syndromes, Hereditary. Identifiers: Orphanet 140162, MedGen C0027672, MeSH D009386, MONDO:0015356.
Oligodontia-cancer predisposition syndrome. Also called: TOOTH AGENESIS-COLORECTAL CANCER SYNDROME. Identifiers: Orphanet 300576, MedGen C1837750, MONDO:0012075, OMIM 608615. Disease mechanism: loss of function.

gnomAD v4.1: 6 of 1,613,168 alleles (0.00037%); highest among the groups gnomAD compares: Middle Eastern, 0.017%; no homozygotes.

Submissions (2):

Labcorp Genetics (formerly Invitae), Labcorp
Classification: Uncertain significance for Oligodontia-cancer predisposition syndrome. Last evaluated: 2025-01-06. Review status: criteria provided, single submitter. Criteria: Invitae Variant Classification Sherloc (09022015). Collection method: clinical testing. Allele origin: germline.
Comment: This sequence change replaces leucine, which is neutral and non-polar, with phenylalanine, which is neutral and non-polar, at codon 499 of the AXIN2 protein (p.Leu499Phe). This variant is not present in population databases (gnomAD no frequency). This variant has not been reported in the literature in individuals affected with AXIN2-related conditions. ClinVar contains an entry for this variant (Variation ID: 647060). An algorithm developed to predict the effect of missense changes on protein structure and function (PolyPhen-2) suggests that this variant is likely to be disruptive. In summary, the available evidence is currently insufficient to determine the role of this variant in disease. Therefore, it has been classified as a Variant of Uncertain Significance.

Ambry Genetics
Classification: Uncertain significance for Hereditary cancer-predisposing syndrome. Last evaluated: 2023-09-25. Review status: criteria provided, single submitter. Criteria: Ambry Variant Classification Scheme 2023. Collection method: clinical testing. Allele origin: germline.
Comment: The p.L499F variant (also known as c.1495C>T), located in coding exon 5 of the AXIN2 gene, results from a C to T substitution at nucleotide position 1495. The leucine at codon 499 is replaced by phenylalanine, an amino acid with highly similar properties. This amino acid position is conserved. In addition, this alteration is predicted to be tolerated by in silico analysis. Since supporting evidence is limited at this time, the clinical significance of this alteration remains unclear.